The following is an entry in ClinVar:

ClinVar aggregate classification (germline): Uncertain significance (1 of 4 stars; one submission).

Conditions:
Hereditary sensory and autonomic neuropathy type 6. Also called: HSAN VI; Neuropathy, hereditary sensory and autonomic, type VI. Identifiers: Orphanet 314381, MedGen C3539003, MONDO:0013839, OMIM 614653.
Epidermolysis bullosa simplex 3, localized or generalized intermediate, with BP230 deficiency (EBS3). Also called: Epidermolysis bullosa simplex, autosomal recessive 2; Epidermolysis bullosa simplex due to BP230 deficiency. Identifiers: Orphanet 412181, MedGen C3809470, MONDO:0014180, OMIM 615425.

Allele frequency attached by ClinVar (database versions not stated): ExAC 0.00001; gnomAD 0.00001; gnomAD exomes 0.00002.
gnomAD v4.1: 8 of 1,613,778 alleles (0.0005%); highest among the groups gnomAD compares: Admixed American, 0.005%; no homozygotes.

Submission:

Labcorp Genetics (formerly Invitae), Labcorp
Classification: Uncertain significance for Epidermolysis bullosa simplex 3, localized or generalized intermediate, with BP230 deficiency; Hereditary sensory and autonomic neuropathy type 6. Last evaluated: 2021-08-19. Review status: criteria provided, single submitter. Criteria: Invitae Variant Classification Sherloc (09022015). Collection method: clinical testing. Allele origin: germline.
Comment: This variant has not been reported in the literature in individuals affected with DST-related conditions. This variant is present in population databases (rs747281179, ExAC 0.009%). This sequence change replaces arginine with histidine at codon 4490 of the DST protein (p.Arg4490His). The DST gene has multiple clinically relevant transcripts. This variant occurs in alternate transcript NM_015548.4, and corresponds to NM_001723.5:c.*132770G>A in the primary transcript. Experimental studies and prediction algorithms are not available or were not evaluated, and the functional significance of this variant is currently unknown. In summary, the available evidence is currently insufficient to determine the role of this variant in disease. Therefore, it has been classified as a Variant of Uncertain Significance.

NM_001374736.1(DST):c.21338G>A (p.Arg7113His)

Gene: DST (dystonin; minus strand). Cytogenetic location: 6p12.1.
Variant type: single nucleotide variant.
Coding change: c.21338G>A on transcript NM_001374736.1 (MANE Select); coding-DNA position 21338, G replaced by A.
Protein change: p.Arg7113His; replaces arginine 7113 with histidine.
Molecular consequence: missense variant.
Genome position (GRCh38, 1-based): chr6:56,482,747, C>T on the plus strand (G>A on the coding strand, the complement: DST is on the minus strand). VCF-style: chr6-56482747-C-T. GRCh37 (hg19) VCF-style: chr6-56347545-C-T.
Other names: c.14981G>A, p.Arg4994His (NM_001144769.5); c.14567G>A, p.Arg4856His (NM_001144770.2); c.21338G>A, p.Arg7113His (NM_001374722.1); c.20378G>A, p.Arg6793His (NM_001374729.1); c.14120G>A, p.Arg4707His (NM_001374730.1); c.21365G>A, p.Arg7122His (NM_001374734.1); c.14447G>A, p.Arg4816His (NM_001386100.1, NM_183380.4); c.13469G>A, p.Arg4490His (NM_015548.5); short protein forms R4707H, R4816H, R4856H, R7113H, R4490H, R4994H, R7122H, R6793H.
Identifiers: ClinVar variation 1450634 (VCV001450634.6), dbSNP rs747281179, ClinGen allele CA3866531.